The following is an entry in ClinVar:

NM_032638.5(GATA2):c.1197G>T (p.Lys399Asn)

Gene: GATA2 (GATA binding protein 2; minus strand). Cytogenetic location: 3q21.3.
Variant type: single nucleotide variant.
Coding change: c.1197G>T on transcript NM_032638.5 (MANE Select); coding-DNA position 1197, G replaced by T.
Protein change: p.Lys399Asn; replaces lysine 399 with asparagine.
Molecular consequence: missense variant.
Genome position (GRCh38, 1-based): chr3:128,481,265, C>A on the plus strand (G>T on the coding strand, the complement: GATA2 is on the minus strand). VCF-style: chr3-128481265-C-A. GRCh37 (hg19) VCF-style: chr3-128200108-C-A.
Other names: c.1197G>T, p.Lys399Asn (NM_001145661.2); c.1155G>T, p.Lys385Asn (NM_001145662.1); short protein forms K385N, K399N.
Identifiers: ClinVar variation 1692023 (VCV001692023.2), dbSNP rs371096438, ClinGen allele CA83376298.

ClinVar aggregate classification (germline): Uncertain significance. Review status: criteria provided, multiple submitters, no conflicts (2 of 4 stars). 2 submissions from 2 submitters: Uncertain significance (2). Last evaluated 2025-01-31.

Conditions:
Inborn genetic diseases. Identifiers: MedGen C0950123, MeSH D030342.
Hereditary cancer-predisposing syndrome. Also called: Hereditary Cancer Syndrome; Hereditary neoplastic syndrome; Neoplastic Syndromes, Hereditary; Tumor predisposition. Identifiers: Orphanet 140162, MedGen C0027672, MeSH D009386, MONDO:0015356.

Allele frequency attached by ClinVar (database versions not stated): TOPMed below 0.00001; ESP Exome Variant Server 0.00008.

Submissions (2):

Ambry Genetics
Classification: Uncertain significance for Inborn genetic diseases. Last evaluated: 2025-01-31. Review status: criteria provided, single submitter. Criteria: Ambry Variant Classification Scheme 2023. Collection method: clinical testing. Allele origin: germline.
Comment: The p.K399N variant (also known as c.1197G>T), located in coding exon 5 of the GATA2 gene, results from a G to T substitution at nucleotide position 1197. The lysine at codon 399 is replaced by asparagine, an amino acid with similar properties. This amino acid position is highly conserved in available vertebrate species. In addition, the in silico prediction for this alteration is inconclusive. Based on the available evidence, the clinical significance of this variant remains unclear.

Sema4
Classification: Uncertain significance for Hereditary cancer-predisposing syndrome. Last evaluated: 2021-10-19. Review status: criteria provided, single submitter. Criteria: Sema4 Curation Guidelines. Collection method: curation. Allele origin: germline.
Comment: The GATA2 c.1197G>T (p.K399N) variant has not been reported in the literature to our knowledge. This variant was not observed in the Genome Aggregation Database (PMID: 32461654). This variant has not been reported in ClinVar. Functional studies have not been performed, and in silico predictions of the variant's effect on protein function are inconclusive. Based on the current evidence available, this variant is interpreted as a variant of uncertain significance.